The following is an entry in ClinVar:

ClinVar aggregate classification (germline): Uncertain significance (1 of 4 stars; one submission).

Allele frequency attached by ClinVar (database versions not stated): gnomAD exomes below 0.00001.
gnomAD v4.1: 1 of 1,613,902 alleles (0.000062%); highest among the groups gnomAD compares: Admixed American, 0.0017%; no homozygotes.

Submission:

Labcorp Genetics (formerly Invitae), Labcorp
Classification: Uncertain significance. Last evaluated: 2021-01-16. Review status: criteria provided, single submitter. Criteria: Invitae Variant Classification Sherloc (09022015). Collection method: clinical testing. Allele origin: germline.
Comment: This sequence change replaces isoleucine with valine at codon 319 of the DGAT1 protein (p.Ile319Val). The isoleucine residue is moderately conserved and there is a small physicochemical difference between isoleucine and valine. This variant is not present in population databases (ExAC no frequency). This variant has not been reported in the literature in individuals with DGAT1-related conditions. Algorithms developed to predict the effect of missense changes on protein structure and function (SIFT, PolyPhen-2, Align-GVGD) all suggest that this variant is likely to be tolerated, but these predictions have not been confirmed by published functional studies and their clinical significance is uncertain. In summary, the available evidence is currently insufficient to determine the role of this variant in disease. Therefore, it has been classified as a Variant of Uncertain Significance.

NM_012079.6(DGAT1):c.955A>G (p.Ile319Val)

Gene: DGAT1 (diacylglycerol O-acyltransferase 1; minus strand). Cytogenetic location: 8q24.3.
Variant type: single nucleotide variant.
Coding change: c.955A>G on transcript NM_012079.6 (MANE Select); coding-DNA position 955, A replaced by G.
Protein change: p.Ile319Val; replaces isoleucine 319 with valine.
Molecular consequence: missense variant.
Genome position (GRCh38, 1-based): chr8:144,317,570, T>C on the plus strand (A>G on the coding strand, the complement: DGAT1 is on the minus strand). VCF-style: chr8-144317570-T-C. GRCh37 (hg19) VCF-style: chr8-145541233-T-C.
Other names: short protein forms I319V.
Identifiers: ClinVar variation 1523075 (VCV001523075.8), dbSNP rs1400043688, ClinGen allele CA372609493.